The following is an entry in ClinVar:

NM_015662.3(IFT172):c.1615G>A (p.Val539Ile)

Gene: IFT172 (intraflagellar transport 172; minus strand). Cytogenetic location: 2p23.3.
Variant type: single nucleotide variant.
Coding change: c.1615G>A on transcript NM_015662.3 (MANE Select); coding-DNA position 1615, G replaced by A.
Protein change: p.Val539Ile; replaces valine 539 with isoleucine.
Molecular consequence: missense variant.
Genome position (GRCh38, 1-based): chr2:27,471,005, C>T on the plus strand (G>A on the coding strand, the complement: IFT172 is on the minus strand). VCF-style: chr2-27471005-C-T. GRCh37 (hg19) VCF-style: chr2-27693872-C-T.
Other names: short protein forms V539I.
Identifiers: ClinVar variation 962126 (VCV000962126.9), dbSNP rs1667524518, ClinGen allele CA346390054.

ClinVar aggregate classification (germline): Uncertain significance (1 of 4 stars; one submission).

Conditions:
Retinitis pigmentosa 71 (RP71). Identifiers: Orphanet 791, MedGen C4225342, MONDO:0014618, OMIM 616394.
Short-rib thoracic dysplasia 10 with or without polydactyly (SRTD10). Identifiers: Orphanet 474, MedGen C3810175, MONDO:0014284, OMIM 615630.

Submission:

Labcorp Genetics (formerly Invitae), Labcorp
Classification: Uncertain significance for Retinitis pigmentosa 71; Short-rib thoracic dysplasia 10 with or without polydactyly. Last evaluated: 2023-07-21. Review status: criteria provided, single submitter. Criteria: Invitae Variant Classification Sherloc (09022015). Collection method: clinical testing. Allele origin: germline.
Comment: This sequence change replaces valine, which is neutral and non-polar, with isoleucine, which is neutral and non-polar, at codon 539 of the IFT172 protein (p.Val539Ile). This variant is not present in population databases (gnomAD no frequency). This variant has not been reported in the literature in individuals affected with IFT172-related conditions. ClinVar contains an entry for this variant (Variation ID: 962126). Advanced modeling of protein sequence and biophysical properties (such as structural, functional, and spatial information, amino acid conservation, physicochemical variation, residue mobility, and thermodynamic stability) performed at Invitae indicates that this missense variant is not expected to disrupt IFT172 protein function. In summary, the available evidence is currently insufficient to determine the role of this variant in disease. Therefore, it has been classified as a Variant of Uncertain Significance.